The following is an entry in ClinVar:

ClinVar aggregate classification (germline): Likely benign (1 of 4 stars; one submission).

Submission:

CeGaT Center for Human Genetics Tuebingen
Classification: Likely benign. Last evaluated: 2026-08-01. Review status: criteria provided, single submitter. Criteria: CeGaT Center For Human Genetics Tuebingen Variant Classification Criteria Version 2. Collection method: clinical testing. Allele origin: germline. Affected: yes. Observed: 1 variant allele.
Comment: MKRN3: BP4, BP7

NM_005664.4(MKRN3):c.1266C>T (p.Tyr422=)

Gene: MKRN3 (makorin ring finger protein 3; plus strand). Cytogenetic location: 15q11.2.
Variant type: single nucleotide variant.
Coding change: c.1266C>T on transcript NM_005664.4 (MANE Select); coding-DNA position 1266, C replaced by T.
Protein change: p.Tyr422=; no amino-acid change (tyrosine 422 retained).
Molecular consequence: synonymous variant.
Genome position (GRCh38, 1-based): chr15:23,567,048, C>T. VCF-style: chr15-23567048-C-T. GRCh37 (hg19) VCF-style: chr15-23812195-C-T.
Identifiers: ClinVar variation 5039496 (VCV005039496.1).